The following is an entry in ClinVar:

NM_001347721.2(DYRK1A):c.1190_1193del (p.Lys397fs)

Gene: DYRK1A (dual specificity tyrosine phosphorylation regulated kinase 1A; plus strand). Cytogenetic location: 21q22.13.
Variant type: Deletion.
Coding change: c.1190_1193del on transcript NM_001347721.2 (MANE Select); coding-DNA positions 1190 to 1193, 4 bases deleted (AGAA; older notation c.1190_1193delAGAA).
Protein change: p.Lys397fs; shifts the reading frame from lysine 397.
Molecular consequence: frameshift variant.
Genome position (GRCh38, 1-based): chr21:37,496,236-37,496,239, AGAA deleted; deleting any 4 consecutive bases within chr21:37,496,234-37,496,239 gives the same sequence; the c. name uses the placement nearest the transcript's 3' end. VCF-style (leftmost placement, unchanged base first): chr21-37496233-TAAAG-T. GRCh37 (hg19) VCF-style: chr21-38868535-TAAAG-T.
Other names: c.1190_1193del, p.Lys397fs (NM_001347722.2, NM_130436.2); c.1103_1106del, p.Lys368fs (NM_001347723.2); c.1217_1220del, p.Lys406fs (NM_001396.5, NM_101395.2, NM_130438.2); short protein forms K368fs, K397fs, K406fs.
Identifiers: ClinVar variation 1254755 (VCV001254755.10), dbSNP rs2148627802, ClinGen allele CA2499225894.

ClinVar aggregate classification (germline): Pathogenic. Review status: criteria provided, multiple submitters, no conflicts (2 of 4 stars). 3 submissions from 3 submitters: Pathogenic (3). Last evaluated 2024-11-20.

Conditions:
DYRK1A-related intellectual disability syndrome (MRD7). Also called: DYRK1A Syndrome; Intellectual developmental disorder, autosomal dominant 7. Identifiers: Orphanet 464306, MedGen C5568143, MONDO:0013578, OMIM 614104.

Submissions (3):

Intergen Genetics and Rare Diseases Diagnosis Center
Classification: Pathogenic for DYRK1A-related intellectual disability syndrome. Last evaluated: 2024-11-20. Review status: criteria provided, single submitter. Criteria: ACMG Guidelines, 2015. Collection method: clinical testing. Allele origin: de novo. Inheritance: Autosomal dominant inheritance. Affected: yes. Observed: 1 heterozygote.
Comment: PVS1, PM2, PP5, PM6

Labcorp Genetics (formerly Invitae), Labcorp
Classification: Pathogenic for DYRK1A-related intellectual disability syndrome. Last evaluated: 2024-10-22. Review status: criteria provided, single submitter. Criteria: Invitae Variant Classification Sherloc (09022015). Collection method: clinical testing. Allele origin: germline.
Comment: This sequence change creates a premature translational stop signal (p.Lys406Argfs*44) in the DYRK1A gene. It is expected to result in an absent or disrupted protein product. Loss-of-function variants in DYRK1A are known to be pathogenic (PMID: 25944381). This variant is not present in population databases (gnomAD no frequency). This premature translational stop signal has been observed in individual(s) with clinical features of DYRK1A-related conditions (PMID: 29034068). ClinVar contains an entry for this variant (Variation ID: 1254755). For these reasons, this variant has been classified as Pathogenic.

GeneDx
Classification: Pathogenic. Last evaluated: 2022-02-04. Review status: criteria provided, single submitter. Criteria: GeneDx Variant Classification Process June 2021. Collection method: clinical testing. Allele origin: germline. Affected: yes.
Comment: Frameshift variant predicted to result in protein truncation or nonsense mediated decay in a gene for which loss-of-function is a known mechanism of disease; Not observed at significant frequency in large population cohorts (gnomAD); This variant is associated with the following publications: (PMID: 29034068, 31526516, 33562844)

Literature cited by the submitters: PubMed 25944381 (cited by Labcorp Genetics (formerly Invitae), Labcorp); PubMed 29034068 (cited by Labcorp Genetics (formerly Invitae), Labcorp).